The following is an entry in ClinVar:

ClinVar aggregate classification (germline): Pathogenic (1 of 4 stars; one submission).

Conditions:
Duchenne muscular dystrophy (DMD). Also called: MUSCULAR DYSTROPHY, PSEUDOHYPERTROPHIC PROGRESSIVE, DUCHENNE TYPE; Duchenne Muscular Dystrophy (DMD). Identifiers: Orphanet 98896, MedGen C0013264, MONDO:0010679, OMIM 310200.

Submission:

Labcorp Genetics (formerly Invitae), Labcorp
Classification: Pathogenic for Duchenne muscular dystrophy. Last evaluated: 2025-10-18. Review status: criteria provided, single submitter. Criteria: Invitae Variant Classification Sherloc (09022015). Collection method: clinical testing. Allele origin: germline.
Comment: This variant, c.5000_5002del, results in the deletion of 1 amino acid(s) of the DMD protein (p.Ala1667del), but otherwise preserves the integrity of the reading frame. This variant is not present in population databases (gnomAD no frequency). This variant has been observed in individual(s) with clinical features of DMD-related conditions (PMID: 30103083). It has also been observed to segregate with disease in related individuals. This variant is also known as c.4998_5000delCAG. For these reasons, this variant has been classified as Pathogenic.

Literature cited by the submitters: PubMed 30103083.

NM_004006.3(DMD):c.5000_5002del (p.Ala1667del)

Gene: DMD (dystrophin; minus strand). Cytogenetic location: Xp21.1.
Variant type: Deletion.
Coding change: c.5000_5002del on transcript NM_004006.3 (MANE Select); coding-DNA positions 5000 to 5002, 3 bases deleted (CAG; older notation c.5000_5002delCAG).
Protein change: p.Ala1667del; deletes alanine 1667.
Molecular consequence: inframe deletion.
Genome position (GRCh38, 1-based): chrX:32,365,043-32,365,045, CTG deleted on the plus strand (CAG on the coding strand, the reverse complement: DMD is on the minus strand); deleting any 3 consecutive bases within chrX:32,365,043-32,365,047 gives the same sequence; the c. name uses the placement nearest the transcript's 3' end. VCF-style (leftmost placement, unchanged base first): chrX-32365042-TCTG-T. GRCh37 (hg19) VCF-style: chrX-32383159-TCTG-T.
Other names: c.4976_4978del, p.Ala1659del (NM_000109.4); c.4988_4990del, p.Ala1663del (NM_004009.3); c.4631_4633del, p.Ala1544del (NM_004010.3); c.977_979del, p.Ala326del (NM_004011.4); c.968_970del, p.Ala323del (NM_004012.4); short protein forms A1659del, A1544del, A1663del, A323del, A326del, A1667del.
Identifiers: ClinVar variation 4737669 (VCV004737669.1).